The following is an entry in ClinVar:

ClinVar aggregate classification (germline): Uncertain significance (1 of 4 stars; one submission).

Conditions:
Hereditary spastic paraplegia 50 (SPG50). Also called: Spastic paraplegia 50, autosomal recessive. Identifiers: Orphanet 280763, MedGen C2752008, MONDO:0013048, OMIM 612936.

Allele frequency attached by ClinVar (database versions not stated): gnomAD exomes below 0.00001 and 0.00001; gnomAD 0.00001; ExAC 0.00002.
gnomAD v4.1: 8 of 1,613,906 alleles (0.0005%); highest among the groups gnomAD compares: South Asian, 0.0077%; no homozygotes.

Submission:

Labcorp Genetics (formerly Invitae), Labcorp
Classification: Uncertain significance for Hereditary spastic paraplegia 50. Last evaluated: 2021-05-05. Review status: criteria provided, single submitter. Criteria: Invitae Variant Classification Sherloc (09022015). Collection method: clinical testing. Allele origin: germline.
Comment: In summary, the available evidence is currently insufficient to determine the role of this variant in disease. Therefore, it has been classified as a Variant of Uncertain Significance. Algorithms developed to predict the effect of sequence changes on RNA splicing suggest that this variant may create or strengthen a splice site, but this prediction has not been confirmed by published transcriptional studies. Algorithms developed to predict the effect of missense changes on protein structure and function output the following: SIFT: "Tolerated"; PolyPhen-2: "Benign"; Align-GVGD: "Class C0". The valine amino acid residue is found in multiple mammalian species, suggesting that this missense change does not adversely affect protein function. These predictions have not been confirmed by published functional studies and their clinical significance is uncertain. This variant has not been reported in the literature in individuals with AP4M1-related conditions. This variant is present in population databases (rs748804549, ExAC 0.01%). This sequence change replaces isoleucine with valine at codon 59 of the AP4M1 protein (p.Ile59Val). The isoleucine residue is highly conserved and there is a small physicochemical difference between isoleucine and valine.

NM_004722.4(AP4M1):c.175A>G (p.Ile59Val)

Gene: AP4M1 (adaptor related protein complex 4 subunit mu 1; plus strand). Cytogenetic location: 7q22.1.
Variant type: single nucleotide variant.
Coding change: c.175A>G on transcript NM_004722.4 (MANE Select); coding-DNA position 175, A replaced by G.
Protein change: p.Ile59Val; replaces isoleucine 59 with valine.
Molecular consequence: missense variant.
Genome position (GRCh38, 1-based): chr7:100,102,702, A>G. VCF-style: chr7-100102702-A-G. GRCh37 (hg19) VCF-style: chr7-99700325-A-G.
Other names: c.196A>G, p.Ile66Val (NM_001363671.2); short protein forms I66V, I59V.
Identifiers: ClinVar variation 1488757 (VCV001488757.9), dbSNP rs748804549, ClinGen allele CA4374500.
Genomic context (GRCh38, chr7:100,102,702, plus strand): 5'-TTAACGCCTCTCTTCTCCCTGCCTGTGTCTCAGCATCACCATGGCCGTCATTTCATTCAC[A>G]TCAGACACAGCGGCCTCTATTTGGTGGTCACAACTTCAGAAAACGTTTCTCCCTTCAGCC-3'
Protein context (NP_004713.2, residues 49-69): MHHHGRHFIH[Ile59Val]RHSGLYLVVT